The following is an entry in ClinVar:

NM_000117.3(EMD):c.651_655dup (p.Gln219fs)

Gene: EMD (emerin; plus strand). Cytogenetic location: Xq28.
Variant type: Duplication.
Coding change: c.651_655dup on transcript NM_000117.3 (MANE Select); coding-DNA positions 651 to 655, 5 bases duplicated (GGGCC; older notation c.651_655dupGGGCC).
Protein change: p.Gln219fs; shifts the reading frame from glutamine 219.
Molecular consequence: frameshift variant.
Genome position (GRCh38, 1-based): chrX:154,381,083-154,381,087, GGGCC duplicated. VCF-style (leftmost placement, unchanged base first): chrX-154381082-T-TGGGCC. GRCh37 (hg19) VCF-style: chrX-153609442-T-TGGGCC.
Other names: short protein forms Q219fs.
Identifiers: ClinVar variation 2135110 (VCV002135110.4), dbSNP rs2522790624, ClinGen allele CA2580101772.

ClinVar aggregate classification (germline): Pathogenic (1 of 4 stars; one submission).

Conditions:
X-linked Emery-Dreifuss muscular dystrophy. Also called: Muscular dystrophy, tardive Emery-Dreifuss type, with contractures. Identifiers: Orphanet 261, Orphanet 98863, MedGen C0751337, MONDO:0010680.

Submission:

Labcorp Genetics (formerly Invitae), Labcorp
Classification: Pathogenic for X-linked Emery-Dreifuss muscular dystrophy. Last evaluated: 2022-05-24. Review status: criteria provided, single submitter. Criteria: Invitae Variant Classification Sherloc (09022015). Collection method: clinical testing. Allele origin: germline.
Comment: For these reasons, this variant has been classified as Pathogenic. This variant disrupts a region of the EMD protein in which other variant(s) (p.Gln219Trpfs*20) have been determined to be pathogenic (PMID: 8595406, 17355552, 18646565, 31474437). This suggests that this is a clinically significant region of the protein, and that variants that disrupt it are likely to be disease-causing. This variant has not been reported in the literature in individuals affected with EMD-related conditions. This variant is not present in population databases (gnomAD no frequency). This sequence change creates a premature translational stop signal (p.Gln219Argfs*20) in the EMD gene. While this is not anticipated to result in nonsense mediated decay, it is expected to disrupt the last 36 amino acid(s) of the EMD protein.

Literature cited by the submitters: PubMed 8595406; PubMed 17355552; PubMed 18646565; PubMed 31474437.